The following is an entry in ClinVar:

ClinVar aggregate classification (germline): Uncertain significance. Review status: criteria provided, multiple submitters, no conflicts (2 of 4 stars). 2 submissions from 2 submitters: Uncertain significance (2). Last evaluated 2024-09-13.

Conditions:
Inborn genetic diseases. Identifiers: MedGen C0950123, MeSH D030342.

Allele frequency attached by ClinVar (database versions not stated): gnomAD 0.00001; gnomAD exomes 0.00001; TOPMed 0.00001; ExAC 0.00009.

Submissions (2):

Women's Health and Genetics/Laboratory Corporation of America, LabCorp
Classification: Uncertain significance. Last evaluated: 2024-09-13. Review status: criteria provided, single submitter. Criteria: LabCorp Variant Classification Summary - May 2015. Collection method: clinical testing. Allele origin: germline.
Comment: Variant summary: SLC46A1 c.437T>C (p.Leu146Pro) results in a non-conservative amino acid change located in the Major facilitator superfamily domain (IPR020846) of the encoded protein sequence. Four of five in-silico tools predict a damaging effect of the variant on protein function. The variant allele was found at a frequency of 2.5e-05 in 199214 control chromosomes. The available data on variant occurrences in the general population are insufficient to allow any conclusion about variant significance. To our knowledge, no occurrence of c.437T>C in individuals affected with Congenital Defect Of Folate Absorption and no experimental evidence demonstrating its impact on protein function have been reported. ClinVar contains an entry for this variant (Variation ID: 3164925). Based on the evidence outlined above, the variant was classified as uncertain significance.

Ambry Genetics
Classification: Uncertain significance for Inborn genetic diseases. Last evaluated: 2024-03-12. Review status: criteria provided, single submitter. Criteria: Ambry Variant Classification Scheme 2023. Collection method: clinical testing. Allele origin: germline.

NM_080669.6(SLC46A1):c.437T>C (p.Leu146Pro)

Gene: SLC46A1 (solute carrier family 46 member 1; minus strand). Cytogenetic location: 17q11.2.
Variant type: single nucleotide variant.
Coding change: c.437T>C on transcript NM_080669.6 (MANE Select); coding-DNA position 437, T replaced by C.
Protein change: p.Leu146Pro; replaces leucine 146 with proline.
Molecular consequence: missense variant.
Genome position (GRCh38, 1-based): chr17:28,405,260, A>G on the plus strand (T>C on the coding strand, the complement: SLC46A1 is on the minus strand). VCF-style: chr17-28405260-A-G. GRCh37 (hg19) VCF-style: chr17-26732278-A-G.
Other names: c.437T>C, p.Leu146Pro (NM_001242366.3); short protein forms L146P.
Identifiers: ClinVar variation 3164925 (VCV003164925.2), dbSNP rs782556806, ClinGen allele CA8458329.